The following is an entry in ClinVar:

ClinVar aggregate classification (germline): Benign. Review status: criteria provided, multiple submitters, no conflicts (2 of 4 stars). 2 submissions from 2 submitters: Benign (2). Last evaluated 2018-06-16.

Allele frequency attached by ClinVar (database versions not stated): gnomAD exomes 0.00196; 1000 Genomes Project 0.02057; gnomAD 0.02075 and 0.02242; 1000 Genomes Project 30x 0.02108; TOPMed 0.02286.
gnomAD v4.1: 5,228 of 1,160,992 alleles (0.45%); highest among the groups gnomAD compares: African/African-American, 7%; 189 homozygotes.

Submissions (2):

GeneDx
Classification: Benign. Last evaluated: 2018-06-16. Review status: criteria provided, single submitter. Criteria: GeneDx Variant Classification (06012015). Collection method: clinical testing. Allele origin: germline. Affected: yes.
Comment: This variant is considered likely benign or benign based on one or more of the following criteria: it is a conservative change, it occurs at a poorly conserved position in the protein, it is predicted to be benign by multiple in silico algorithms, and/or has population frequency not consistent with disease.

Breakthrough Genomics
Classification: Benign. Review status: criteria provided, single submitter. Criteria: ACMG Guidelines, 2015. Collection method: not provided. Allele origin: germline. Inheritance: Autosomal recessive inheritance. Affected: yes.

NM_001692.4(ATP6V1B1):c.175-90A>C

Gene: ATP6V1B1 (ATPase H+ transporting V1 subunit B1; plus strand). Cytogenetic location: 2p13.3.
Variant type: single nucleotide variant.
Coding change: c.175-90A>C on transcript NM_001692.4 (MANE Select); 90 bases into the intron before coding-DNA position 175, A replaced by C.
Molecular consequence: intron variant.
Genome position (GRCh38, 1-based): chr2:70,957,956, A>C. VCF-style: chr2-70957956-A-C. GRCh37 (hg19) VCF-style: chr2-71185086-A-C.
Identifiers: ClinVar variation 682985 (VCV000682985.2), dbSNP rs17006571, ClinGen allele CA49699337.